The following is an entry in ClinVar:

NM_007294.4(BRCA1):c.4814T>C (p.Leu1605Ser)

Gene: BRCA1 (BRCA1 DNA repair associated; minus strand). Cytogenetic location: 17q21.31.
Variant type: single nucleotide variant.
Coding change: c.4814T>C on transcript NM_007294.4 (MANE Select); coding-DNA position 4814, T replaced by C.
Protein change: p.Leu1605Ser; replaces leucine 1605 with serine.
Molecular consequence: missense variant. On other transcripts: non-coding transcript variant (1).
Genome position (GRCh38, 1-based): chr17:43,071,100, A>G on the plus strand (T>C on the coding strand, the complement: BRCA1 is on the minus strand). VCF-style: chr17-43071100-A-G. GRCh37 (hg19) VCF-style: chr17-41223117-A-G.
Other names: c.4808T>C, p.Leu1603Ser (NM_001407633.1, NM_001407634.1, NM_001407635.1 and 14 more transcripts); c.1289T>C, p.Leu430Ser (NM_001408493.1, NM_001408492.1); c.1265T>C, p.Leu422Ser (NM_001408494.1); c.1259T>C, p.Leu420Ser (NM_001408495.1); c.1241T>C, p.Leu414Ser (NM_001408499.1, NM_001408500.1, NM_001408496.1 and 3 more transcripts); c.1238T>C, p.Leu413Ser (NM_001408502.1, NM_001408503.1, NM_001408504.1); c.1235T>C, p.Leu412Ser (NM_001408505.1); c.4601T>C, p.Leu1534Ser (NM_001407571.1, NM_001407894.1, NM_001407895.1 and 12 more transcripts); and 70 more; short protein forms L1626S, L1558S, L1605S, L501S, L1494S, L1561S, L1562S, L1577S.
Identifiers: ClinVar variation 864486 (VCV000864486.52), dbSNP rs2052403153, ClinGen allele CA10591894.
Genomic context (GRCh38, chr17:43,071,100, plus strand): 5'-TACCCAGCAGTATCAGTAGTATGAGCAGCAGCTGGACTCTGGGCAGATTCTGCAACTTTC[A>G]ATTGGGGAACTTTCAATGCAGAGGTTGAAGATGGTATGTTGCCAACACGAGCTGACTCTG-3'
Protein context (NP_009225.1, residues 1595-1615): SSTSALKVPQ[Leu1605Ser]KVAESAQSPA

ClinVar aggregate classification (germline): Uncertain significance. Review status: criteria provided, multiple submitters, no conflicts (2 of 4 stars). 2 submissions from 2 submitters: Uncertain significance (2). Last evaluated 2025-08-03.

Conditions:
Hereditary cancer-predisposing syndrome. Also called: Hereditary Cancer Syndrome; Tumor predisposition; Neoplastic Syndromes, Hereditary; Hereditary neoplastic syndrome. Identifiers: Orphanet 140162, MedGen C0027672, MeSH D009386, MONDO:0015356.
Hereditary breast ovarian cancer syndrome. Also called: Hereditary breast and ovarian cancer syndrome; Hereditary breast and/or ovarian cancer syndrome; Hereditary breast and ovarian cancer syndrome (HBOC); Breast and ovarian cancer; Hereditary breast and ovarian cancer; BRCA1- and BRCA2-Associated Hereditary Breast and Ovarian Cancer. Identifiers: Orphanet 145, MedGen C0677776, MeSH D061325, MONDO:0003582. Disease mechanism: loss of function.

Submissions (2):

Labcorp Genetics (formerly Invitae), Labcorp
Classification: Uncertain significance for Hereditary breast ovarian cancer syndrome. Last evaluated: 2025-08-03. Review status: criteria provided, single submitter. Criteria: Invitae Variant Classification Sherloc (09022015). Collection method: clinical testing. Allele origin: germline.
Comment: This sequence change replaces leucine, which is neutral and non-polar, with serine, which is neutral and polar, at codon 1605 of the BRCA1 protein (p.Leu1605Ser). This variant is not present in population databases (gnomAD no frequency). This variant has not been reported in the literature in individuals affected with BRCA1-related conditions. ClinVar contains an entry for this variant (Variation ID: 864486). Invitae Evidence Modeling of protein sequence and biophysical properties (such as structural, functional, and spatial information, amino acid conservation, physicochemical variation, residue mobility, and thermodynamic stability) indicates that this missense variant is not expected to disrupt BRCA1 protein function with a negative predictive value of 95%. In summary, the available evidence is currently insufficient to determine the role of this variant in disease. Therefore, it has been classified as a Variant of Uncertain Significance.

Color Diagnostics, LLC DBA Color Health
Classification: Uncertain significance for Hereditary cancer-predisposing syndrome. Last evaluated: 2020-12-01. Review status: criteria provided, single submitter. Criteria: ACMG Guidelines, 2015. Collection method: clinical testing. Allele origin: germline.
Comment: This missense variant replaces leucine with serine at codon 1605 of the BRCA1 protein. Computational prediction is inconclusive regarding the impact of this variant on protein structure and function (internally defined REVEL score threshold 0.5 < inconclusive < 0.7, PMID: 27666373). To our knowledge, functional studies have not been reported for this variant. This variant has been reported as likely benign in a multifactorial analysis based in part to co-occurrence and family history likelihood ratios of 1.0331 and 0.253 (1 family), respectively (PMID: 31131967). This variant has not been identified in the general population by the Genome Aggregation Database (gnomAD). The available evidence is insufficient to determine the role of this variant in disease conclusively. Therefore, this variant is classified as a Variant of Uncertain Significance.